The following is an entry in ClinVar:

ClinVar aggregate classification (germline): Uncertain significance. Review status: criteria provided, multiple submitters, no conflicts (2 of 4 stars). 2 submissions from 2 submitters: Uncertain significance (2). Last evaluated 2026-02-03.

Conditions:
Cardiovascular phenotype. Identifiers: MedGen CN230736.

Allele frequency attached by ClinVar (database versions not stated): gnomAD 0.00001.

Submissions (2):

Labcorp Genetics (formerly Invitae), Labcorp
Classification: Uncertain significance. Last evaluated: 2026-02-03. Review status: criteria provided, single submitter. Criteria: Invitae Variant Classification Sherloc (09022015). Collection method: clinical testing. Allele origin: germline.
Comment: This sequence change replaces proline, which is neutral and non-polar, with arginine, which is basic and polar, at codon 141 of the ALPK3 protein (p.Pro141Arg). This variant is not present in population databases (gnomAD no frequency). This variant has not been reported in the literature in individuals affected with ALPK3-related conditions. ClinVar contains an entry for this variant (Variation ID: 1948303). An algorithm developed to predict the effect of missense changes on protein structure and function (PolyPhen-2) suggests that this variant is likely to be disruptive. In summary, the available evidence is currently insufficient to determine the role of this variant in disease. Therefore, it has been classified as a Variant of Uncertain Significance.

Ambry Genetics
Classification: Uncertain significance for Cardiovascular phenotype. Last evaluated: 2024-01-22. Review status: criteria provided, single submitter. Criteria: Ambry Variant Classification Scheme 2023. Collection method: clinical testing. Allele origin: germline.

NC_000015.10:g.84817268C>G

Gene: ALPK3 (alpha kinase 3; plus strand). Cytogenetic location: 15q25.3.
Variant type: single nucleotide variant.
Genome position: GRCh38 VCF-style: chr15-84817268-C-G. GRCh37 (hg19) VCF-style: chr15-85360499-C-G.
Other names: short protein forms P141R.
Identifiers: ClinVar variation 1948303 (VCV001948303.5), dbSNP rs1458771525, ClinGen allele CA393368879.